The following is an entry in ClinVar:

NM_001430.5(EPAS1):c.1521G>C (p.Met507Ile)

Gene: EPAS1 (endothelial PAS domain protein 1; plus strand). Cytogenetic location: 2p21.
Variant type: single nucleotide variant.
Coding change: c.1521G>C on transcript NM_001430.5 (MANE Select); coding-DNA position 1521, G replaced by C.
Protein change: p.Met507Ile; replaces methionine 507 with isoleucine.
Molecular consequence: missense variant.
Genome position (GRCh38, 1-based): chr2:46,378,734, G>C. VCF-style: chr2-46378734-G-C. GRCh37 (hg19) VCF-style: chr2-46605873-G-C.
Other names: short protein forms M507I.
Identifiers: ClinVar variation 3221555 (VCV003221555.1), dbSNP rs2546474640, ClinGen allele CA346704287.

ClinVar aggregate classification (germline): Uncertain significance (1 of 4 stars; one submission).

Conditions:
Inborn genetic diseases. Identifiers: MedGen C0950123, MeSH D030342.

Allele frequency attached by ClinVar (database versions not stated): gnomAD exomes below 0.00001.
gnomAD v4.1: 2 of 1,614,186 alleles (0.00012%); highest among the groups gnomAD compares: Non-Finnish European, 0.000085%; no homozygotes.

Submission:

Ambry Genetics
Classification: Uncertain significance for Inborn genetic diseases. Last evaluated: 2024-01-26. Review status: criteria provided, single submitter. Criteria: Ambry Variant Classification Scheme 2023. Collection method: clinical testing. Allele origin: germline.
Comment: The p.M507I variant (also known as c.1521G>C), located in coding exon 11 of the EPAS1 gene, results from a G to C substitution at nucleotide position 1521. The methionine at codon 507 is replaced by isoleucine, an amino acid with highly similar properties. This amino acid position is conserved. In addition, this alteration is predicted to be tolerated by in silico analysis. Based on the available evidence, the clinical significance of this alteration remains unclear.